The following is an entry in ClinVar:

NM_001042492.3(NF1):c.2612G>A (p.Ser871Asn)

Gene: NF1 (neurofibromin 1; plus strand). Cytogenetic location: 17q11.2.
Variant type: single nucleotide variant.
Coding change: c.2612G>A on transcript NM_001042492.3 (MANE Select); coding-DNA position 2612, G replaced by A.
Protein change: p.Ser871Asn; replaces serine 871 with asparagine.
Molecular consequence: missense variant.
Genome position (GRCh38, 1-based): chr17:31,229,227, G>A. VCF-style: chr17-31229227-G-A. GRCh37 (hg19) VCF-style: chr17-29556245-G-A.
Other names: c.2612G>A, p.Ser871Asn (NM_000267.4); short protein forms S871N.
Identifiers: ClinVar variation 3634514 (VCV003634514.2).

ClinVar aggregate classification (germline): Uncertain significance (1 of 4 stars; one submission).

Conditions:
Neurofibromatosis, type 1 (NF1). Also called: VON RECKLINGHAUSEN DISEASE; Peripheral type neurofibromatosis; NEUROFIBROMATOSIS, TYPE I, SOMATIC; Neurofibromatosis, type I. Identifiers: Orphanet 636, MedGen C0027831, MONDO:0018975, OMIM 162200. Disease mechanism: loss of function.

Submission:

Labcorp Genetics (formerly Invitae), Labcorp
Classification: Uncertain significance for Neurofibromatosis, type 1. Last evaluated: 2025-06-06. Review status: criteria provided, single submitter. Criteria: Invitae Variant Classification Sherloc (09022015). Collection method: clinical testing. Allele origin: germline.
Comment: This sequence change replaces serine, which is neutral and polar, with asparagine, which is neutral and polar, at codon 871 of the NF1 protein (p.Ser871Asn). This variant is not present in population databases (gnomAD no frequency). This variant has not been reported in the literature in individuals affected with NF1-related conditions. ClinVar contains an entry for this variant (Variation ID: 3634514). Invitae Evidence Modeling of protein sequence and biophysical properties (such as structural, functional, and spatial information, amino acid conservation, physicochemical variation, residue mobility, and thermodynamic stability) indicates that this missense variant is not expected to disrupt NF1 protein function with a negative predictive value of 95%. In summary, the available evidence is currently insufficient to determine the role of this variant in disease. Therefore, it has been classified as a Variant of Uncertain Significance.